The following is an entry in ClinVar:

ClinVar aggregate classification (germline): Pathogenic/Likely pathogenic. Review status: criteria provided, multiple submitters, no conflicts (2 of 4 stars). 3 submissions from 3 submitters: Pathogenic (1); Likely pathogenic (2). Last evaluated 2024-09-01.

Conditions:
DICER1-related disorder. Also called: DICER1-related condition.
DICER1-related tumor predisposition. Also called: DICER1-related pleuropulmonary blastoma cancer predisposition syndrome; DICER1 syndrome. Identifiers: Orphanet 284343, MedGen C3839822, MONDO:0100216.

Submissions (3):

Labcorp Genetics (formerly Invitae), Labcorp
Classification: Pathogenic for DICER1-related tumor predisposition. Last evaluated: 2024-09-01. Review status: criteria provided, single submitter. Criteria: Invitae Variant Classification Sherloc (09022015). Collection method: clinical testing. Allele origin: germline.
Comment: This sequence change creates a premature translational stop signal (p.Gln851*) in the DICER1 gene. It is expected to result in an absent or disrupted protein product. Loss-of-function variants in DICER1 are known to be pathogenic (PMID: 19556464, 21266384). This variant is not present in population databases (gnomAD no frequency). This variant has not been reported in the literature in individuals affected with DICER1-related conditions. ClinVar contains an entry for this variant (Variation ID: 2632824). Algorithms developed to predict the effect of sequence changes on RNA splicing suggest that this variant may disrupt the consensus splice site. For these reasons, this variant has been classified as Pathogenic.

Institute for Genomic Medicine (IGM) Clinical Laboratory, Nationwide Children's Hospital
Classification: Likely pathogenic for DICER1-related tumor predisposition. Last evaluated: 2023-05-04. Review status: criteria provided, single submitter. Criteria: ACMG Guidelines, 2015. Collection method: clinical testing. Allele origin: germline.
Comment: This variant is predicted to result in loss of function through nonsense-mediated decay of the encoded transcript or premature truncation of the encoded protein in a gene in which loss of function is a known mechanism of disease (ACMG/AMP: PVS1). This variant is absent from or present at an exceedingly low frequency in gnomAD, a large-scale control population database (ACMG/AMP: PM2).

PreventionGenetics, part of Exact Sciences
Classification: Likely pathogenic for DICER1-related condition. Last evaluated: 2023-04-17. Review status: criteria provided, single submitter. Criteria: ACMG Guidelines, 2015. Collection method: clinical testing. Allele origin: germline.
Comment: The DICER1 c.2551C>T variant is predicted to result in premature protein termination (p.Gln851*). To our knowledge, this variant has not been reported in the literature or in a large population database, indicating this variant is rare. Nonsense variants in DICER1 are expected to be pathogenic. This variant is interpreted as likely pathogenic.

Literature cited by the submitters: PubMed 19556464 (cited by Labcorp Genetics (formerly Invitae), Labcorp); PubMed 21266384 (cited by Labcorp Genetics (formerly Invitae), Labcorp).

NM_177438.3(DICER1):c.2551C>T (p.Gln851Ter)

Gene: DICER1 (dicer 1, ribonuclease III; minus strand). Cytogenetic location: 14q32.13.
Variant type: single nucleotide variant.
Coding change: c.2551C>T on transcript NM_177438.3 (MANE Select); coding-DNA position 2551, C replaced by T.
Protein change: p.Gln851Ter; replaces glutamine 851 with a stop codon.
Molecular consequence: nonsense. On other transcripts: non-coding transcript variant (6).
Genome position (GRCh38, 1-based): chr14:95,107,979, G>A on the plus strand (C>T on the coding strand, the complement: DICER1 is on the minus strand). VCF-style: chr14-95107979-G-A. GRCh37 (hg19) VCF-style: chr14-95574316-G-A.
Other names: c.2551C>T, p.Gln851Ter (NM_001195573.1, NM_001271282.3, NM_001291628.2 and 13 more transcripts); c.2269C>T, p.Gln757Ter (NM_001395686.1); c.2146C>T, p.Gln716Ter (NM_001395687.1, NM_001395688.1, NM_001395689.1 and 2 more transcripts); c.1984C>T, p.Gln662Ter (NM_001395691.1); c.868C>T, p.Gln290Ter (NM_001395697.1); short protein forms Q290*, Q662*, Q716*, Q757*, Q851*.
Identifiers: ClinVar variation 2632824 (VCV002632824.4), dbSNP rs2542840500, ClinGen allele CA390881745.